The following is an entry in ClinVar:

NM_000465.4(BARD1):c.1445A>C (p.Gln482Pro)

Gene: BARD1 (BRCA1 associated RING domain 1; minus strand). Cytogenetic location: 2q35.
Variant type: single nucleotide variant.
Coding change: c.1445A>C on transcript NM_000465.4 (MANE Select); coding-DNA position 1445, A replaced by C.
Protein change: p.Gln482Pro; replaces glutamine 482 with proline.
Molecular consequence: missense variant. On other transcripts: non-coding transcript variant (3), intron variant (3).
Genome position (GRCh38, 1-based): chr2:214,767,605, T>G on the plus strand (A>C on the coding strand, the complement: BARD1 is on the minus strand). VCF-style: chr2-214767605-T-G. GRCh37 (hg19) VCF-style: chr2-215632329-T-G.
Other names: c.1388A>C, p.Gln463Pro (NM_001282543.2); c.159-15050A>C (NM_001282548.2); c.216-15050A>C (NM_001282545.2); c.364+24692A>C (NM_001282549.2); short protein forms Q463P, Q482P.
Identifiers: ClinVar variation 4196327 (VCV004196327.1).
Genomic context (GRCh38, chr2:214,767,605, plus strand): 5'-GCTGCATCGTGAAGTGGTGAGTCATTTTGATACCCGGTGGTGTTCACCAATGCCTTATGC[T>G]GGAGCAATAATTCCACTACCTTCAGGTGCCCATGATTGCAAGCTTCATGCTAATTAAATT-3'
Protein context (NP_000456.2, residues 472-492): GHLKVVELLL[Gln482Pro]HKALVNTTGY

ClinVar aggregate classification (germline): Uncertain significance (1 of 4 stars; one submission).

Conditions:
Hereditary cancer-predisposing syndrome. Also called: Neoplastic Syndromes, Hereditary; Tumor predisposition; Hereditary Cancer Syndrome; Hereditary neoplastic syndrome. Identifiers: Orphanet 140162, MedGen C0027672, MeSH D009386, MONDO:0015356.

Submission:

Ambry Genetics
Classification: Uncertain significance for Hereditary cancer-predisposing syndrome. Last evaluated: 2025-08-15. Review status: criteria provided, single submitter. Criteria: Ambry Variant Classification Scheme 2023. Collection method: clinical testing. Allele origin: germline.
Comment: The p.Q482P variant (also known as c.1445A>C), located in coding exon 6 of the BARD1 gene, results from an A to C substitution at nucleotide position 1445. The glutamine at codon 482 is replaced by proline, an amino acid with similar properties. This amino acid position is conserved. In addition, the in silico prediction for this alteration is inconclusive. Based on the available evidence, the clinical significance of this variant remains unclear.